The following is an entry in ClinVar:

NM_000929.3(PLA2G5):c.298G>A (p.Gly100Arg)

Gene: PLA2G5 (phospholipase A2 group V; plus strand). Cytogenetic location: 1p36.13.
Variant type: single nucleotide variant.
Coding change: c.298G>A on transcript NM_000929.3 (MANE Select); coding-DNA position 298, G replaced by A.
Protein change: p.Gly100Arg; replaces glycine 100 with arginine.
Molecular consequence: missense variant.
Genome position (GRCh38, 1-based): chr1:20,090,573, G>A. VCF-style: chr1-20090573-G-A. GRCh37 (hg19) VCF-style: chr1-20417066-G-A.
Other names: short protein forms G100R.
Identifiers: ClinVar variation 2291125 (VCV002291125.5), dbSNP rs781327560, ClinGen allele CA658260.

ClinVar aggregate classification (germline): Uncertain significance. Review status: criteria provided, multiple submitters, no conflicts (2 of 4 stars). 2 submissions from 2 submitters: Uncertain significance (2). Last evaluated 2023-10-13.

Allele frequency attached by ClinVar (database versions not stated): ExAC 0.00001; gnomAD exomes 0.00001; gnomAD 0.00003; TOPMed 0.00003.
gnomAD v4.1: 21 of 1,613,900 alleles (0.0013%); highest among the groups gnomAD compares: Non-Finnish European, 0.0017%; no homozygotes.

Submissions (2):

Labcorp Genetics (formerly Invitae), Labcorp
Classification: Uncertain significance. Last evaluated: 2023-10-13. Review status: criteria provided, single submitter. Criteria: Invitae Variant Classification Sherloc (09022015). Collection method: clinical testing. Allele origin: germline.
Comment: This sequence change replaces glycine, which is neutral and non-polar, with arginine, which is basic and polar, at codon 100 of the PLA2G5 protein (p.Gly100Arg). This variant is present in population databases (rs781327560, gnomAD 0.004%). This variant has not been reported in the literature in individuals affected with PLA2G5-related conditions. ClinVar contains an entry for this variant (Variation ID: 2291125). An algorithm developed to predict the effect of missense changes on protein structure and function (PolyPhen-2) suggests that this variant is likely to be disruptive. In summary, the available evidence is currently insufficient to determine the role of this variant in disease. Therefore, it has been classified as a Variant of Uncertain Significance.

Ambry Genetics
Classification: Uncertain significance. Last evaluated: 2022-07-26. Review status: criteria provided, single submitter. Criteria: Ambry Variant Classification Scheme 2023. Collection method: clinical testing. Allele origin: germline.